The following is an entry in ClinVar:

NM_002230.4(JUP):c.357G>A (p.Pro119=)

Gene: JUP (junction plakoglobin; minus strand). Cytogenetic location: 17q21.2.
Variant type: single nucleotide variant.
Coding change: c.357G>A on transcript NM_002230.4 (MANE Select); coding-DNA position 357, G replaced by A.
Protein change: p.Pro119=; no amino-acid change (proline 119 retained).
Molecular consequence: synonymous variant.
Genome position (GRCh38, 1-based): chr17:41,769,529, C>T on the plus strand (G>A on the coding strand, the complement: JUP is on the minus strand). VCF-style: chr17-41769529-C-T. GRCh37 (hg19) VCF-style: chr17-39925781-C-T.
Other names: c.357G>A (NM_002230.3); c.357G>A, p.Pro119= (NM_001352773.2, NM_001352774.2, NM_001352775.2 and 3 more transcripts).
Identifiers: ClinVar variation 516422 (VCV000516422.17), dbSNP rs782579395, ClinGen allele CA8565515.

ClinVar aggregate classification (germline): Benign/Likely benign. Review status: criteria provided, multiple submitters, no conflicts (2 of 4 stars). 6 submissions from 6 submitters: Benign (1); Likely benign (5). Last evaluated 2025-10-21.

Conditions:
Naxos disease (NXD). Also called: PALMOPLANTAR KERATODERMA WITH ARRHYTHMOGENIC RIGHT VENTRICULAR CARDIOMYOPATHY AND WOOLLY HAIR; CARDIOMYOPATHY, ARRHYTHMOGENIC RIGHT VENTRICULAR, WITH SKIN, HAIR, AND NAIL ABNORMALITIES; KERATOSIS PALMOPLANTARIS WITH ARRHYTHMOGENIC CARDIOMYOPATHY; MAL DE NAXOS; WOOLLY HAIR, PALMOPLANTAR KERATODERMA, AND CARDIAC ABNORMALITIES. Identifiers: Orphanet 34217, MedGen C1832600, MONDO:0011017, OMIM 601214.
Arrhythmogenic right ventricular dysplasia 12. Also called: ARRHYTHMOGENIC RIGHT VENTRICULAR DYSPLASIA, FAMILIAL, 12. Identifiers: MedGen C1969081, MONDO:0012684, OMIM 611528.
Cardiovascular phenotype. Identifiers: MedGen CN230736.
Cardiomyopathy (CMYO). Also called: Cardiomyopathies. Identifiers: Orphanet 167848, MedGen C0878544, MONDO:0004994, HP:0001638. Inheritance: Various modes of inheritance.

Allele frequency attached by ClinVar (database versions not stated): gnomAD 0.00003; TOPMed 0.00006; gnomAD exomes 0.00007; ExAC 0.00009.
gnomAD v4.1: 82 of 1,611,284 alleles (0.0051%); highest among the groups gnomAD compares: Middle Eastern, 0.017%; no homozygotes.

Submissions (6):

Labcorp Genetics (formerly Invitae), Labcorp
Classification: Likely benign for Arrhythmogenic right ventricular dysplasia 12; Naxos disease. Last evaluated: 2025-10-21. Review status: criteria provided, single submitter. Criteria: Invitae Variant Classification Sherloc (09022015). Collection method: clinical testing. Allele origin: germline.

Molecular Diagnostic Laboratory for Inherited Cardiovascular Disease, Montreal Heart Institute
Classification: Likely benign. Last evaluated: 2025-04-09. Review status: criteria provided, single submitter. Criteria: ACMG Guidelines, 2015. Collection method: clinical testing. Allele origin: germline. Affected: no.

Women's Health and Genetics/Laboratory Corporation of America, LabCorp
Classification: Benign. Last evaluated: 2024-02-04. Review status: criteria provided, single submitter. Criteria: LabCorp Variant Classification Summary - May 2015. Collection method: clinical testing. Allele origin: germline.

CHEO Genetics Diagnostic Laboratory, Children's Hospital of Eastern Ontario
Classification: Likely benign for Cardiomyopathy. Last evaluated: 2020-07-21. Review status: criteria provided, single submitter. Criteria: ACMG Guidelines, 2015. Collection method: clinical testing. Allele origin: germline.

GeneDx
Classification: Likely benign. Last evaluated: 2017-12-18. Review status: criteria provided, single submitter. Criteria: GeneDx Variant Classification (06012015). Collection method: clinical testing. Allele origin: germline. Affected: yes.
Comment: This variant is considered likely benign or benign based on one or more of the following criteria: it is a conservative change, it occurs at a poorly conserved position in the protein, it is predicted to be benign by multiple in silico algorithms, and/or has population frequency not consistent with disease.

Ambry Genetics
Classification: Likely benign for Cardiovascular phenotype. Last evaluated: 2017-09-06. Review status: criteria provided, single submitter. Criteria: Ambry Variant Classification Scheme 2023. Collection method: clinical testing. Allele origin: germline.